The following is an entry in ClinVar:

NM_020320.5(RARS2):c.715T>C (p.Ser239Pro)

Gene: RARS2 (arginyl-tRNA synthetase 2, mitochondrial; minus strand). Cytogenetic location: 6q15.
Variant type: single nucleotide variant.
Coding change: c.715T>C on transcript NM_020320.5 (MANE Select); coding-DNA position 715, T replaced by C.
Protein change: p.Ser239Pro; replaces serine 239 with proline.
Molecular consequence: missense variant. On other transcripts: non-coding transcript variant (23).
Genome position (GRCh38, 1-based): chr6:87,530,840, A>G on the plus strand (T>C on the coding strand, the complement: RARS2 is on the minus strand). VCF-style: chr6-87530840-A-G. GRCh37 (hg19) VCF-style: chr6-88240558-A-G.
Other names: c.190T>C, p.Ser64Pro (NM_001318785.2, NM_001350506.2, NM_001350507.2 and 4 more transcripts); c.715T>C, p.Ser239Pro (NM_001350505.2); short protein forms S64P, S239P.
Identifiers: ClinVar variation 3691355 (VCV003691355.2).
Genomic context (GRCh38, chr6:87,530,840, plus strand): 5'-ATACCTTGTAAACCCGAATGTACTCTTCAATGCTCAAGTCCCGAAATTTTTGCCACAGTG[A>G]AAGTGCTTGCACATCGCCCAGTTCCAATCGTTGGAAGAACTCCTGTGCTGCTTTTGCTAC-3'
Protein context (NP_064716.2, residues 229-249): RLELGDVQAL[Ser239Pro]LWQKFRDLSI

ClinVar aggregate classification (germline): Uncertain significance (1 of 4 stars; one submission).

gnomAD v4.1: 1 of 1,614,060 alleles (0.000062%); highest among the groups gnomAD compares: Non-Finnish European, 0.000085%; no homozygotes.

Submission:

Labcorp Genetics (formerly Invitae), Labcorp
Classification: Uncertain significance. Last evaluated: 2024-09-18. Review status: criteria provided, single submitter. Criteria: Invitae Variant Classification Sherloc (09022015). Collection method: clinical testing. Allele origin: germline.
Comment: This sequence change replaces serine, which is neutral and polar, with proline, which is neutral and non-polar, at codon 239 of the RARS2 protein (p.Ser239Pro). This variant is present in population databases (no rsID available, gnomAD 0.007%). This variant has not been reported in the literature in individuals affected with RARS2-related conditions. Invitae Evidence Modeling of protein sequence and biophysical properties (such as structural, functional, and spatial information, amino acid conservation, physicochemical variation, residue mobility, and thermodynamic stability) indicates that this missense variant is not expected to disrupt RARS2 protein function with a negative predictive value of 80%. In summary, the available evidence is currently insufficient to determine the role of this variant in disease. Therefore, it has been classified as a Variant of Uncertain Significance.